The following is an entry in ClinVar:

ClinVar aggregate classification (germline): Uncertain significance (0 of 4 stars; one submission).

Conditions:
BMP2-related disorder. Also called: BMP2-related condition.

Submission:

PreventionGenetics, part of Exact Sciences
Classification: Uncertain significance for BMP2-related condition. Last evaluated: 2024-01-02. Review status: no assertion criteria provided. Collection method: clinical testing. Allele origin: germline.
Comment: The BMP2 c.1074G>C variant is predicted to result in the amino acid substitution p.Lys358Asn. To our knowledge, this variant has not been reported in the literature or in a large population database, indicating this variant is rare. At this time, the clinical significance of this variant is uncertain due to the absence of conclusive functional and genetic evidence.

NM_001200.4(BMP2):c.1074G>C (p.Lys358Asn)

Gene: BMP2 (bone morphogenetic protein 2; plus strand). Cytogenetic location: 20p12.3.
Variant type: single nucleotide variant.
Coding change: c.1074G>C on transcript NM_001200.4 (MANE Select); coding-DNA position 1074, G replaced by C.
Protein change: p.Lys358Asn; replaces lysine 358 with asparagine.
Molecular consequence: missense variant.
Genome position (GRCh38, 1-based): chr20:6,778,972, G>C. VCF-style: chr20-6778972-G-C. GRCh37 (hg19) VCF-style: chr20-6759619-G-C.
Other names: short protein forms K358N.
Identifiers: ClinVar variation 3049021 (VCV003049021.2), dbSNP rs1216567359, ClinGen allele CA408259762.